The following is an entry in ClinVar:

ClinVar aggregate classification (germline): Uncertain significance (1 of 4 stars; one submission).

Submission:

GeneDx
Classification: Uncertain significance. Last evaluated: 2025-04-30. Review status: criteria provided, single submitter. Criteria: GeneDx Variant Classification Process June 2021. Collection method: clinical testing. Allele origin: germline. Affected: yes.
Comment: Not observed at significant frequency in large population cohorts (gnomAD); Has not been previously published as pathogenic or benign to our knowledge; Frameshift variant predicted to result in abnormal protein length as the last 8 amino acid(s) are replaced with 35 different amino acid(s) with an unclear effect on protein function

NM_001854.4(COL11A1):c.5395del (p.Val1799fs)

Gene: COL11A1 (collagen type XI alpha 1 chain; minus strand). Cytogenetic location: 1p21.1.
Variant type: Deletion.
Coding change: c.5395del on transcript NM_001854.4 (MANE Select); coding-DNA position 5395, one base deleted (G; older notation c.5395delG).
Protein change: p.Val1799fs; shifts the reading frame from valine 1799.
Molecular consequence: frameshift variant. On other transcripts: non-coding transcript variant (1).
Genome position (GRCh38, 1-based): chr1:102,878,045, C deleted on the plus strand (G on the coding strand, the reverse complement: COL11A1 is on the minus strand). VCF-style (leftmost placement, unchanged base first): chr1-102878044-AC-A. GRCh37 (hg19) VCF-style: chr1-103343600-AC-A.
Other names: c.5278del, p.Val1760fs (NM_001190709.2); c.5431del, p.Val1811fs (NM_080629.3); c.5047del, p.Val1683fs (NM_080630.4); short protein forms V1683fs, V1760fs, V1799fs, V1811fs.
Identifiers: ClinVar variation 4527620 (VCV004527620.1).